The following is an entry in ClinVar:

ClinVar aggregate classification (germline): Conflicting classifications of pathogenicity. Review status: criteria provided, conflicting classifications (1 of 4 stars). 4 submissions from 4 submitters: Uncertain significance (2); Benign (1). 1 of the submissions does not count toward it. Last evaluated 2025-12-05.

Conditions:
SLC2A1-related disorder. Also called: SLC2A1-related condition; SLC2A1-related disorders.
Encephalopathy due to GLUT1 deficiency. Also called: Classic Glucose Transporter Type 1 Deficiency Syndrome; GLUCOSE TRANSPORT DEFECT, BLOOD-BRAIN BARRIER; De Vivo disease; GLUT1 deficiency syndrome 1; Glucose transporter protein syndrome; GLUT1 deficiency syndrome 1, infantile onset, severe. Identifiers: Orphanet 71277, MedGen C4551966, MONDO:0011724, OMIM 606777.
GLUT1 deficiency syndrome 1, autosomal recessive. Identifiers: MedGen C3149117.

Allele frequency attached by ClinVar (database versions not stated): 1000 Genomes Project 30x 0.00016; TOPMed 0.00018.

Submissions (4):

Labcorp Genetics (formerly Invitae), Labcorp
Classification: Uncertain significance for GLUT1 deficiency syndrome 1, autosomal recessive. Last evaluated: 2025-12-05. Review status: criteria provided, single submitter. Criteria: Invitae Variant Classification Sherloc (09022015). Collection method: clinical testing. Allele origin: germline.
Comment: This sequence change falls in intron 5 of the SLC2A1 gene. It does not directly change the encoded amino acid sequence of the SLC2A1 protein. It affects a nucleotide within the consensus splice site. This variant is present in population databases (rs139492241, gnomAD 0.07%). This variant has not been reported in the literature in individuals affected with SLC2A1-related conditions. ClinVar contains an entry for this variant (Variation ID: 159925). Variants that disrupt the consensus splice site are a relatively common cause of aberrant splicing (PMID: 17576681, 9536098). Algorithms developed to predict the effect of sequence changes on RNA splicing suggest that this variant is not likely to affect RNA splicing. In summary, the available evidence is currently insufficient to determine the role of this variant in disease. Therefore, it has been classified as a Variant of Uncertain Significance.

GeneDx
Classification: Benign. Last evaluated: 2014-08-28. Review status: criteria provided, single submitter. Criteria: GeneDx Variant Classification (06012015). Collection method: clinical testing. Allele origin: germline. Affected: yes.
Comment: This variant is considered likely benign or benign based on one or more of the following criteria: it is a conservative change, it occurs at a poorly conserved position in the protein, it is predicted to be benign by multiple in silico algorithms, and/or has population frequency not consistent with disease.

Genetic Services Laboratory, University of Chicago
Classification: Uncertain significance for GLUT1 deficiency syndrome 1. Last evaluated: 2012-12-06. Review status: criteria provided, single submitter. Criteria: ACMG Guidelines, 2007. Collection method: clinical testing. Allele origin: germline. Inheritance: Autosomal dominant inheritance.

PreventionGenetics, part of Exact Sciences
Classification: Likely benign for SLC2A1-related condition. Last evaluated: 2021-05-10. Review status: no assertion criteria provided. Collection method: clinical testing. Allele origin: germline. Not counted in ClinVar's aggregate classification.
Comment: This variant is classified as likely benign based on ACMG/AMP sequence variant interpretation guidelines (Richards et al. 2015 PMID: 25741868, with internal and published modifications).

Literature cited by the submitters: PubMed 17576681 (cited by Labcorp Genetics (formerly Invitae), Labcorp); PubMed 9536098 (cited by Labcorp Genetics (formerly Invitae), Labcorp).

NM_006516.4(SLC2A1):c.679+4C>A

Gene: SLC2A1 (solute carrier family 2 member 1; minus strand). Cytogenetic location: 1p34.2.
Variant type: single nucleotide variant.
Coding change: c.679+4C>A on transcript NM_006516.4 (MANE Select); 4 bases into the intron after coding-DNA position 679, C replaced by A.
Molecular consequence: intron variant.
Genome position (GRCh38, 1-based): chr1:42,929,869, G>T on the plus strand (C>A on the coding strand, the complement: SLC2A1 is on the minus strand). VCF-style: chr1-42929869-G-T. GRCh37 (hg19) VCF-style: chr1-43395540-G-T.
Identifiers: ClinVar variation 159925 (VCV000159925.16), dbSNP rs139492241, ClinGen allele CA019248.